The following is an entry in ClinVar:

ClinVar aggregate classification (germline): Uncertain significance (1 of 4 stars; one submission).

Submission:

GeneDx
Classification: Uncertain significance. Last evaluated: 2026-04-05. Review status: criteria provided, single submitter. Criteria: GeneDx Variant Classification Process June 2021. Collection method: clinical testing. Allele origin: germline.
Comment: Not observed at significant frequency in large population cohorts (gnomAD); In silico analysis suggests that this missense variant does not alter protein structure/function; Has not been previously published as pathogenic or benign to our knowledge

NM_006922.4(SCN3A):c.1135C>A (p.Leu379Ile)

Gene: SCN3A (sodium voltage-gated channel alpha subunit 3; minus strand). Cytogenetic location: 2q24.3.
Variant type: single nucleotide variant.
Coding change: c.1135C>A on transcript NM_006922.4 (MANE Select); coding-DNA position 1135, C replaced by A.
Protein change: p.Leu379Ile; replaces leucine 379 with isoleucine.
Molecular consequence: missense variant.
Genome position (GRCh38, 1-based): chr2:165,155,800, G>T on the plus strand (C>A on the coding strand, the complement: SCN3A is on the minus strand). VCF-style: chr2-165155800-G-T. GRCh37 (hg19) VCF-style: chr2-166012310-G-T.
Other names: c.1135C>A, p.Leu379Ile (NM_001081676.2, NM_001081677.2); short protein forms L379I.
Identifiers: ClinVar variation 5017978 (VCV005017978.1).
Genomic context (GRCh38, chr2:165,155,800, plus strand): 5'-TGCATGCTCATTTGGACCTTACCAACTGGTAAAGATTTTCCCAGTAGTCTTGAGTCATGA[G>T]TCGAAATAGAGACAGGAAAGCCCAGCTAAAGGTGTCAAAGCTTGTGTAGCCATAGTTGGG-3'
Protein context (NP_008853.3, residues 369-389): FSWAFLSLFR[Leu379Ile]MTQDYWENLY